The following is an entry in ClinVar:

NM_004655.4(AXIN2):c.2344A>C (p.Lys782Gln)

Gene: AXIN2 (axin 2; minus strand). Cytogenetic location: 17q24.1.
Variant type: single nucleotide variant.
Coding change: c.2344A>C on transcript NM_004655.4 (MANE Select); coding-DNA position 2344, A replaced by C.
Protein change: p.Lys782Gln; replaces lysine 782 with glutamine.
Molecular consequence: missense variant.
Genome position (GRCh38, 1-based): chr17:65,533,973, T>G on the plus strand (A>C on the coding strand, the complement: AXIN2 is on the minus strand). VCF-style: chr17-65533973-T-G. GRCh37 (hg19) VCF-style: chr17-63530091-T-G.
Other names: c.2149A>C, p.Lys717Gln (NM_001363813.1); short protein forms K782Q, K717Q.
Identifiers: ClinVar variation 2814505 (VCV002814505.3), dbSNP rs2509389002, ClinGen allele CA400675455.

ClinVar aggregate classification (germline): Uncertain significance (1 of 4 stars; one submission).

Conditions:
Oligodontia-cancer predisposition syndrome. Also called: TOOTH AGENESIS-COLORECTAL CANCER SYNDROME. Identifiers: Orphanet 300576, MedGen C1837750, MONDO:0012075, OMIM 608615. Disease mechanism: loss of function.

Submission:

Labcorp Genetics (formerly Invitae), Labcorp
Classification: Uncertain significance for Oligodontia-cancer predisposition syndrome. Last evaluated: 2022-11-15. Review status: criteria provided, single submitter. Criteria: Invitae Variant Classification Sherloc (09022015). Collection method: clinical testing. Allele origin: germline.
Comment: In summary, the available evidence is currently insufficient to determine the role of this variant in disease. Therefore, it has been classified as a Variant of Uncertain Significance. This sequence change replaces lysine, which is basic and polar, with glutamine, which is neutral and polar, at codon 782 of the AXIN2 protein (p.Lys782Gln). This variant is not present in population databases (gnomAD no frequency). This variant has not been reported in the literature in individuals affected with AXIN2-related conditions. Advanced modeling of protein sequence and biophysical properties (such as structural, functional, and spatial information, amino acid conservation, physicochemical variation, residue mobility, and thermodynamic stability) has been performed at Invitae for this missense variant, however the output from this modeling did not meet the statistical confidence thresholds required to predict the impact of this variant on AXIN2 protein function.